The following is an entry in ClinVar:

NM_000211.5(ITGB2):c.493C>G (p.Arg165Gly)

Gene: ITGB2 (integrin subunit beta 2; minus strand). Cytogenetic location: 21q22.3.
Variant type: single nucleotide variant.
Coding change: c.493C>G on transcript NM_000211.5 (MANE Select); coding-DNA position 493, C replaced by G.
Protein change: p.Arg165Gly; replaces arginine 165 with glycine.
Molecular consequence: missense variant.
Genome position (GRCh38, 1-based): chr21:44,903,371, G>C on the plus strand (C>G on the coding strand, the complement: ITGB2 is on the minus strand). VCF-style: chr21-44903371-G-C. GRCh37 (hg19) VCF-style: chr21-46323286-G-C.
Other names: c.493C>G, p.Arg165Gly (NM_001127491.3); c.286C>G, p.Arg96Gly (NM_001303238.2); short protein forms R165G, R96G.
Identifiers: ClinVar variation 1004784 (VCV001004784.9), dbSNP rs759935924, ClinGen allele CA410478086.

ClinVar aggregate classification (germline): Uncertain significance (1 of 4 stars; one submission).

Conditions:
Leukocyte adhesion deficiency 1 (LAD1). Also called: LAD 1; Lymphocyte function-associated antigen 1 immunodeficiency; LFA 1 immunodeficiency; LEUKOCYTE ADHESION DEFICIENCY, TYPE I. Identifiers: Orphanet 2968, Orphanet 99842, MedGen C0398738, MONDO:0007293, OMIM 116920.

gnomAD v4.1: 1 of 1,614,070 alleles (0.000062%); highest among the groups gnomAD compares: African/African-American, 0.0013%; no homozygotes.

Submission:

Labcorp Genetics (formerly Invitae), Labcorp
Classification: Uncertain significance for Leukocyte adhesion deficiency 1. Last evaluated: 2020-09-11. Review status: criteria provided, single submitter. Criteria: Invitae Variant Classification Sherloc (09022015). Collection method: clinical testing. Allele origin: germline.
Comment: In summary, the available evidence is currently insufficient to determine the role of this variant in disease. Therefore, it has been classified as a Variant of Uncertain Significance. Algorithms developed to predict the effect of missense changes on protein structure and function (SIFT, PolyPhen-2, Align-GVGD) all suggest that this variant is likely to be disruptive, but these predictions have not been confirmed by published functional studies and their clinical significance is uncertain. This variant has not been reported in the literature in individuals with ITGB2-related conditions. This variant is not present in population databases (ExAC no frequency). This sequence change replaces arginine with glycine at codon 165 of the ITGB2 protein (p.Arg165Gly). The arginine residue is highly conserved and there is a moderate physicochemical difference between arginine and glycine.